The following is an entry in ClinVar:

ClinVar aggregate classification (germline): Benign. Review status: criteria provided, multiple submitters, no conflicts (2 of 4 stars). 2 submissions from 2 submitters: Benign (2). Last evaluated 2018-07-13.

Allele frequency attached by ClinVar (database versions not stated): TOPMed 0.38701; ESP Exome Variant Server 0.38705; 1000 Genomes Project 30x 0.42661; 1000 Genomes Project 0.42692.
gnomAD v4.1: 555,608 of 1,568,588 alleles (35%); highest among the groups gnomAD compares: South Asian, 54%; 102,731 homozygotes.

Submissions (2):

GeneDx
Classification: Benign. Last evaluated: 2018-07-13. Review status: criteria provided, single submitter. Criteria: GeneDx Variant Classification Process June 2021. Collection method: clinical testing. Allele origin: germline. Affected: yes.
Comment: This variant is associated with the following publications: (PMID: 29632382, 30012220, 29874175)

Breakthrough Genomics
Classification: Benign. Review status: criteria provided, single submitter. Criteria: ACMG Guidelines, 2015. Collection method: not provided. Allele origin: germline. Inheritance: Unknown mechanism. Affected: yes.

NM_021627.3(SENP2):c.902C>A (p.Thr301Lys)

Gene: SENP2 (SUMO specific peptidase 2; plus strand). Cytogenetic location: 3q27.2.
Variant type: single nucleotide variant.
Coding change: c.902C>A on transcript NM_021627.3 (MANE Select); coding-DNA position 902, C replaced by A.
Protein change: p.Thr301Lys; replaces threonine 301 with lysine.
Molecular consequence: missense variant.
Genome position (GRCh38, 1-based): chr3:185,613,377, C>A. VCF-style: chr3-185613377-C-A. GRCh37 (hg19) VCF-style: chr3-185331165-C-A.
Other names: short protein forms T301K.
Identifiers: ClinVar variation 1281181 (VCV001281181.2), dbSNP rs6762208, ClinGen allele CA2741065.